The following is an entry in ClinVar:

ClinVar aggregate classification (germline): Uncertain significance (1 of 4 stars; one submission).

Submission:

Labcorp Genetics (formerly Invitae), Labcorp
Classification: Uncertain significance. Last evaluated: 2022-01-16. Review status: criteria provided, single submitter. Criteria: Invitae Variant Classification Sherloc (09022015). Collection method: clinical testing. Allele origin: germline.
Comment: This sequence change replaces valine, which is neutral and non-polar, with leucine, which is neutral and non-polar, at codon 1162 of the COL18A1 protein (p.Val1162Leu). In summary, the available evidence is currently insufficient to determine the role of this variant in disease. Therefore, it has been classified as a Variant of Uncertain Significance. Experimental studies and prediction algorithms are not available or were not evaluated, and the functional significance of this variant is currently unknown. This variant has not been reported in the literature in individuals affected with COL18A1-related conditions. This variant is not present in population databases (gnomAD no frequency).

NM_001379500.1(COL18A1):c.3493G>C (p.Val1165Leu)

Genes: COL18A1 (collagen type XVIII alpha 1 chain; plus strand), SLC19A1 (solute carrier family 19 member 1; minus strand). Cytogenetic location: 21q22.3.
Variant type: single nucleotide variant.
Coding change: c.3493G>C on transcript NM_001379500.1 (MANE Select); coding-DNA position 3493, G replaced by C.
Protein change: p.Val1165Leu; replaces valine 1165 with leucine.
Molecular consequence: missense variant.
Genome position (GRCh38, 1-based): chr21:45,509,599, G>C. VCF-style: chr21-45509599-G-C. GRCh37 (hg19) VCF-style: chr21-46929513-G-C.
Other names: c.4024G>C, p.Val1342Leu (NM_030582.4); c.4729G>C, p.Val1577Leu (NM_130444.3); short protein forms V1165L, V1342L, V1577L.
Identifiers: ClinVar variation 2086513 (VCV002086513.4), dbSNP rs2517848726, ClinGen allele CA410501299.